The following is an entry in ClinVar:

ClinVar aggregate classification (germline): Uncertain significance (1 of 4 stars; one submission).

Submission:

GeneDx
Classification: Uncertain significance. Last evaluated: 2024-09-24. Review status: criteria provided, single submitter. Criteria: GeneDx Variant Classification Process June 2021. Collection method: clinical testing. Allele origin: germline. Affected: yes.
Comment: Not observed at significant frequency in large population cohorts (gnomAD); In silico analysis supports that this missense variant has a deleterious effect on protein structure/function; Has not been previously published as pathogenic or benign to our knowledge

NM_001375524.1(TRRAP):c.4132T>C (p.Tyr1378His)

Gene: TRRAP (transformation/transcription domain associated protein; plus strand). Cytogenetic location: 7q22.1.
Variant type: single nucleotide variant.
Coding change: c.4132T>C on transcript NM_001375524.1 (MANE Select); coding-DNA position 4132, T replaced by C.
Protein change: p.Tyr1378His; replaces tyrosine 1378 with histidine.
Molecular consequence: missense variant.
Genome position (GRCh38, 1-based): chr7:98,937,176, T>C. VCF-style: chr7-98937176-T-C. GRCh37 (hg19) VCF-style: chr7-98534799-T-C.
Other names: c.4132T>C, p.Tyr1378His (NM_001244580.2, NM_003496.4); short protein forms Y1378H.
Identifiers: ClinVar variation 3774286 (VCV003774286.1).